The following is an entry in ClinVar:

ClinVar aggregate classification (germline): Conflicting classifications of pathogenicity. Review status: criteria provided, conflicting classifications (1 of 4 stars). 5 submissions from 5 submitters: Uncertain significance (3); Likely benign (2). Last evaluated 2026-02-09.

Conditions:
Inborn genetic diseases. Identifiers: MedGen C0950123, MeSH D030342.
Autosomal recessive severe congenital neutropenia due to G6PC3 deficiency. Also called: G6PC3 Deficiency; NEUTROPENIA, SEVERE CONGENITAL, 4, AUTOSOMAL RECESSIVE. Identifiers: Orphanet 331176, MedGen C2751630, MONDO:0012930, OMIM 612541.

Allele frequency attached by ClinVar (database versions not stated): ESP Exome Variant Server 0.00008; ExAC 0.00003; gnomAD 0.00004 and 0.00005; gnomAD exomes 0.00005 and 0.00007; TOPMed 0.00005.
gnomAD v4.1: 115 of 1,613,946 alleles (0.0071%); highest among the groups gnomAD compares: South Asian, 0.0099%; 1 homozygote.

Submissions (5):

GeneDx
Classification: Uncertain significance. Last evaluated: 2026-02-09. Review status: criteria provided, single submitter. Criteria: GeneDx Variant Classification Process June 2021. Collection method: clinical testing. Allele origin: germline.
Comment: Not observed at significant frequency in large population cohorts (gnomAD); In silico analysis suggests that this missense variant does not alter protein structure/function; Has not been previously published as pathogenic or benign to our knowledge

Ambry Genetics
Classification: Likely benign for Inborn genetic diseases. Last evaluated: 2024-11-23. Review status: criteria provided, single submitter. Criteria: Ambry Variant Classification Scheme 2023. Collection method: clinical testing. Allele origin: germline.

Blueprint Genetics
Classification: Likely benign. Last evaluated: 2024-07-19. Review status: criteria provided, single submitter. Criteria: ACMG Guidelines, 2015. Collection method: clinical testing. Allele origin: germline.

Labcorp Genetics (formerly Invitae), Labcorp
Classification: Uncertain significance for Autosomal recessive severe congenital neutropenia due to G6PC3 deficiency. Last evaluated: 2022-04-28. Review status: criteria provided, single submitter. Criteria: Invitae Variant Classification Sherloc (09022015). Collection method: clinical testing. Allele origin: germline.
Comment: This sequence change replaces isoleucine, which is neutral and non-polar, with valine, which is neutral and non-polar, at codon 162 of the G6PC3 protein (p.Ile162Val). This variant is present in population databases (rs148030756, gnomAD 0.01%). This variant has not been reported in the literature in individuals affected with G6PC3-related conditions. ClinVar contains an entry for this variant (Variation ID: 847646). Algorithms developed to predict the effect of missense changes on protein structure and function output the following: SIFT: "Tolerated"; PolyPhen-2: "Benign"; Align-GVGD: "Class C0". The valine amino acid residue is found in multiple mammalian species, which suggests that this missense change does not adversely affect protein function. In summary, the available evidence is currently insufficient to determine the role of this variant in disease. Therefore, it has been classified as a Variant of Uncertain Significance.

CeGaT Center for Human Genetics Tuebingen
Classification: Uncertain significance. Last evaluated: 2022-03-01. Review status: criteria provided, single submitter. Criteria: CeGaT Center For Human Genetics Tuebingen Variant Classification Criteria Version 2. Collection method: clinical testing. Allele origin: germline. Affected: yes. Observed: 1 variant allele.

NM_138387.4(G6PC3):c.484A>G (p.Ile162Val)

Gene: G6PC3 (glucose-6-phosphatase catalytic subunit 3; plus strand). Cytogenetic location: 17q21.31.
Variant type: single nucleotide variant.
Coding change: c.484A>G on transcript NM_138387.4 (MANE Select); coding-DNA position 484, A replaced by G.
Protein change: p.Ile162Val; replaces isoleucine 162 with valine.
Molecular consequence: missense variant. On other transcripts: intron variant (1).
Genome position (GRCh38, 1-based): chr17:44,075,036, A>G. VCF-style: chr17-44075036-A-G. GRCh37 (hg19) VCF-style: chr17-42152404-A-G.
Other names: c.139A>G, p.Ile47Val (NM_001384165.1, NM_001384166.1, NM_001384167.1 and 1 more transcripts); c.416+266A>G (NM_001319945.2); short protein forms I162V, I47V.
Identifiers: ClinVar variation 847646 (VCV000847646.42), dbSNP rs148030756, ClinGen allele CA8596047.
Genomic context (GRCh38, chr17:44,075,036, plus strand): 5'-GTAAGGGTGATGCCTAGCCTGGCTTATTGCACCTTCCTTTTGGCGGTTGGCTTGTCGCGA[A>G]TCTTCATCTTAGCACATTTCCCTCACCAGGTGCTGGCTGGCCTAATAACTGGTGAGCAAC-3'
Protein context (NP_612396.1, residues 152-172): TFLLAVGLSR[Ile162Val]FILAHFPHQV